The following is an entry in ClinVar:

ClinVar aggregate classification (germline): Uncertain significance. Review status: criteria provided, multiple submitters, no conflicts (2 of 4 stars). 2 submissions from 2 submitters: Uncertain significance (2). Last evaluated 2026-01-08.

Conditions:
Autosomal recessive severe congenital neutropenia due to G6PC3 deficiency. Also called: NEUTROPENIA, SEVERE CONGENITAL, 4, AUTOSOMAL RECESSIVE; G6PC3 Deficiency. Identifiers: Orphanet 331176, MedGen C2751630, MONDO:0012930, OMIM 612541.
Inborn genetic diseases. Identifiers: MedGen C0950123, MeSH D030342.

gnomAD v4.1: 9 of 1,614,168 alleles (0.00056%); highest among the groups gnomAD compares: South Asian, 0.0099%; no homozygotes.

Submissions (2):

Labcorp Genetics (formerly Invitae), Labcorp
Classification: Uncertain significance for Autosomal recessive severe congenital neutropenia due to G6PC3 deficiency. Last evaluated: 2026-01-08. Review status: criteria provided, single submitter. Criteria: Invitae Variant Classification Sherloc (09022015). Collection method: clinical testing. Allele origin: germline.
Comment: This sequence change replaces leucine, which is neutral and non-polar, with proline, which is neutral and non-polar, at codon 196 of the G6PC3 protein (p.Leu196Pro). This variant is present in population databases (rs760710726, gnomAD 0.01%). This variant has not been reported in the literature in individuals affected with G6PC3-related conditions. ClinVar contains an entry for this variant (Variation ID: 4027606). Invitae Evidence Modeling of protein sequence and biophysical properties (such as structural, functional, and spatial information, amino acid conservation, physicochemical variation, residue mobility, and thermodynamic stability) has been performed for this missense variant. However, the output from this modeling did not meet the statistical confidence thresholds required to predict the impact of this variant on G6PC3 protein function. In summary, the available evidence is currently insufficient to determine the role of this variant in disease. Therefore, it has been classified as a Variant of Uncertain Significance.

Ambry Genetics
Classification: Uncertain significance for Inborn genetic diseases. Last evaluated: 2025-05-17. Review status: criteria provided, single submitter. Criteria: Ambry Variant Classification Scheme 2023. Collection method: clinical testing. Allele origin: germline.
Comment: The p.L196P variant (also known as c.587T>C), located in coding exon 5 of the G6PC3 gene, results from a T to C substitution at nucleotide position 587. The leucine at codon 196 is replaced by proline, an amino acid with similar properties. This amino acid position is conserved. In addition, the in silico prediction for this alteration is inconclusive. Based on the available evidence, the clinical significance of this variant remains unclear.

NM_138387.4(G6PC3):c.587T>C (p.Leu196Pro)

Gene: G6PC3 (glucose-6-phosphatase catalytic subunit 3; plus strand). Cytogenetic location: 17q21.31.
Variant type: single nucleotide variant.
Coding change: c.587T>C on transcript NM_138387.4 (MANE Select); coding-DNA position 587, T replaced by C.
Protein change: p.Leu196Pro; replaces leucine 196 with proline.
Molecular consequence: missense variant. On other transcripts: synonymous variant (1).
Genome position (GRCh38, 1-based): chr17:44,075,361, T>C. VCF-style: chr17-44075361-T-C. GRCh37 (hg19) VCF-style: chr17-42152729-T-C.
Other names: c.468T>C, p.Ala156= (NM_001319945.2); c.242T>C, p.Leu81Pro (NM_001384165.1, NM_001384166.1, NM_001384167.1 and 1 more transcripts); short protein forms L196P, L81P.
Identifiers: ClinVar variation 4027606 (VCV004027606.2).